The following is an entry in ClinVar:

NM_001006657.2(WDR35):c.1206G>T (p.Glu402Asp)

Gene: WDR35 (WD repeat domain 35; minus strand). Cytogenetic location: 2p24.1.
Variant type: single nucleotide variant.
Coding change: c.1206G>T on transcript NM_001006657.2 (MANE Plus Clinical); coding-DNA position 1206, G replaced by T.
Protein change: p.Glu402Asp; replaces glutamic acid 402 with aspartic acid.
Molecular consequence: missense variant. On other transcripts: intron variant (1).
Genome position (GRCh38, 1-based): chr2:19,962,316, C>A on the plus strand (G>T on the coding strand, the complement: WDR35 is on the minus strand). VCF-style: chr2-19962316-C-A. GRCh37 (hg19) VCF-style: chr2-20162077-C-A.
Other names: c.1195-1702G>T (NM_020779.4); short protein forms E402D.
Identifiers: ClinVar variation 1496519 (VCV001496519.5), dbSNP rs762190195, ClinGen allele CA1543309.

ClinVar aggregate classification (germline): Uncertain significance (1 of 4 stars; one submission).

Conditions:
Cranioectodermal dysplasia 2 (CED2). Identifiers: Orphanet 1515, MedGen C3150874, MONDO:0013323, OMIM 613610.
Short-rib thoracic dysplasia 7 with or without polydactyly (SRTD7). Also called: Short rib polydactyly syndrome 5; SHORT-RIB THORACIC DYSPLASIA 7 WITH POLYDACTYLY. Identifiers: Orphanet 498497, Orphanet 93271, MedGen C3279792, MONDO:0013569, OMIM 614091.

Allele frequency attached by ClinVar (database versions not stated): gnomAD exomes 0.00001 and 0.00003; ExAC 0.00002.
gnomAD v4.1: 7 of 1,613,130 alleles (0.00043%); highest among the groups gnomAD compares: Admixed American, 0.012%; no homozygotes.

Submission:

Labcorp Genetics (formerly Invitae), Labcorp
Classification: Uncertain significance for Cranioectodermal dysplasia 2; Short-rib thoracic dysplasia 7 with or without polydactyly. Last evaluated: 2021-09-17. Review status: criteria provided, single submitter. Criteria: Invitae Variant Classification Sherloc (09022015). Collection method: clinical testing. Allele origin: germline.
Comment: This sequence change replaces glutamic acid with aspartic acid at codon 402 of the WDR35 protein (p.Glu402Asp). The glutamic acid residue is moderately conserved and there is a small physicochemical difference between glutamic acid and aspartic acid. This variant is present in population databases (rs762190195, ExAC 0.03%). This variant has not been reported in the literature in individuals affected with WDR35-related conditions. Algorithms developed to predict the effect of missense changes on protein structure and function output the following: SIFT: "Tolerated"; PolyPhen-2: "Benign"; Align-GVGD: "Class C0". The aspartic acid amino acid residue is found in multiple mammalian species, which suggests that this missense change does not adversely affect protein function. In summary, the available evidence is currently insufficient to determine the role of this variant in disease. Therefore, it has been classified as a Variant of Uncertain Significance.